The following is an entry in ClinVar:

NM_000287.4(PEX6):c.1841del (p.Leu614fs)

Gene: PEX6 (peroxisomal biogenesis factor 6; minus strand). Cytogenetic location: 6p21.1.
Variant type: Deletion.
Coding change: c.1841del on transcript NM_000287.4 (MANE Select); coding-DNA position 1841, one base deleted (T; older notation c.1841delT).
Protein change: p.Leu614fs; shifts the reading frame from leucine 614.
Molecular consequence: frameshift variant. On other transcripts: non-coding transcript variant (1).
Genome position (GRCh38, 1-based): chr6:42,967,411, A deleted on the plus strand (T on the coding strand, the reverse complement: PEX6 is on the minus strand). VCF-style (leftmost placement, unchanged base first): chr6-42967410-CA-C. GRCh37 (hg19) VCF-style: chr6-42935148-CA-C.
Other names: c.1577del, p.Leu526fs (NM_001316313.2); short protein forms L526fs, L614fs.
Identifiers: ClinVar variation 217426 (VCV000217426.13), dbSNP rs863225083, ClinGen allele CA279183.

ClinVar aggregate classification (germline): Pathogenic/Likely pathogenic. Review status: criteria provided, multiple submitters, no conflicts (2 of 4 stars). 8 submissions from 8 submitters: Pathogenic (5); Likely pathogenic (1). 2 of the submissions do not count toward it. Last evaluated 2024-10-29.

Conditions:
PEX6-related disorder. Also called: PEX6-related condition; PEX6-related disorders.
Heimler syndrome 2 (HMLR2). Also called: PEROXISOME BIOGENESIS DISORDER 4C. Identifiers: Orphanet 3220, MedGen C4225267, OMIM 616617, MONDO:0014709.
Peroxisome biogenesis disorder 4A (Zellweger) (PBD4A). Also called: Zellweger syndrome spectrum (PEX6-related). Identifiers: Orphanet 912, MedGen C3553936, MONDO:0013930, OMIM 614862. Disease mechanism: loss of function.
Peroxisome biogenesis disorder 4B (PBD4B). Also called: SPINOCEREBELLAR ATAXIA WITH BLINDNESS AND DEAFNESS 1. Identifiers: Orphanet 44, Orphanet 95433, MedGen C3553937, MONDO:0013931, OMIM 614863.
Inborn genetic diseases. Identifiers: MedGen C0950123, MeSH D030342.
Peroxisome biogenesis disorder. Identifiers: Orphanet 79189, MedGen C1832200, MONDO:0019234. Disease mechanism: loss of function.

Allele frequency attached by ClinVar (database versions not stated): gnomAD exomes below 0.00001 and 0.00003; gnomAD 0.00001; TOPMed 0.00002.

Submissions (8):

Labcorp Genetics (formerly Invitae), Labcorp
Classification: Pathogenic for Peroxisome biogenesis disorder. Last evaluated: 2024-10-29. Review status: criteria provided, single submitter. Criteria: Invitae Variant Classification Sherloc (09022015). Collection method: clinical testing. Allele origin: germline.
Comment: This sequence change creates a premature translational stop signal (p.Leu614Argfs*5) in the PEX6 gene. It is expected to result in an absent or disrupted protein product. Loss-of-function variants in PEX6 are known to be pathogenic (PMID: 10408779, 21031596, 31831025). This variant is present in population databases (no rsID available, gnomAD 0.002%). This premature translational stop signal has been observed in individual(s) with Heimler syndrome (PMID: 26387595). ClinVar contains an entry for this variant (Variation ID: 217426). For these reasons, this variant has been classified as Pathogenic.

Fulgent Genetics
Classification: Pathogenic for Peroxisome biogenesis disorder 4A (Zellweger); Peroxisome biogenesis disorder 4B; Heimler syndrome 2. Last evaluated: 2024-05-29. Review status: criteria provided, single submitter. Criteria: ACMG Guidelines, 2015. Collection method: clinical testing. Allele origin: germline.

Baylor Genetics
Classification: Pathogenic for Heimler syndrome 2. Last evaluated: 2023-08-10. Review status: criteria provided, single submitter. Criteria: ACMG Guidelines, 2015. Collection method: clinical testing. Allele origin: unknown.

Blueprint Genetics
Classification: Likely pathogenic for PEX6-related disorders. Last evaluated: 2023-08-04. Review status: criteria provided, single submitter. Criteria: ACMG Guidelines, 2015. Collection method: clinical testing. Allele origin: germline. Affected: yes. Observed: 2 variant alleles.

Ambry Genetics
Classification: Pathogenic for Inborn genetic diseases. Last evaluated: 2022-01-18. Review status: criteria provided, single submitter. Criteria: Ambry Variant Classification Scheme 2023. Collection method: clinical testing. Allele origin: germline.
Comment: The c.1841delT (p.L614Rfs*5) alteration, located in exon 8 (coding exon 8) of the PEX6 gene, consists of a deletion of one nucleotide at position 1841, causing a translational frameshift with a predicted alternate stop codon after 5 amino acids. This alteration is expected to result in loss of function by premature protein truncation or nonsense-mediated mRNA decay. This variant was reported in the compound heterozygous state with a missense alteration in two siblings with a diagnosis of Heimler syndrome and clinical features of amelogenesis imperfecta, bilateral profound sensorineural hearing loss, retinal pigmentation, abnormal nails, and normal intellect (Ratbi, 2015). In vitro transfection studies of this alteration in peroxisome-deficient cells resulted in no functional complementation (Ratbi, 2015). Based on the available evidence, this alteration is classified as pathogenic.

GeneDx
Classification: Pathogenic. Last evaluated: 2018-12-13. Review status: criteria provided, single submitter. Criteria: GeneDx Variant Classification (06012015). Collection method: clinical testing. Allele origin: germline. Affected: yes.
Comment: The c.1841delT variant in the PEX6 gene has been reported previously in twin siblings with Heimler syndrome who also harbored a PEX6 missense variant, although parental studies were not performed to determine the phase of these two variants (Ratbi et al., 2015). Functional studies using in vitro transfection of the c.1841delT variant showed minimal functional complementation of peroxisome biogenesis in peroxisome deficient cells. The c.1841delT variant causes a frameshift starting with codon Leucine 614, changes this amino acid to an Arginine residue, and creates a premature Stop codon at position 5 of the new reading frame, denoted p.Leu614ArgfsX5. This variant is predicted to cause loss of normal protein function either through protein truncation or nonsense-mediated mRNA decay. The c.1841delT variant is not observed at a significant frequency in large population cohorts (Lek et al., 2016). We interpret c.1841delT as a pathogenic variant.

Counsyl
Classification: Likely pathogenic for Peroxisome biogenesis disorder 4A (Zellweger); Peroxisome biogenesis disorder 4B. Last evaluated: 2018-05-23. Review status: no assertion criteria provided. Collection method: clinical testing. Allele origin: unknown. Not counted in ClinVar's aggregate classification.

OMIM
Classification: Pathogenic for HEIMLER SYNDROME 2. Last evaluated: 2015-10-01. Review status: no assertion criteria provided. Collection method: literature only. Allele origin: germline. Not counted in ClinVar's aggregate classification.

Literature cited by the submitters: PubMed 10408779 (cited by Labcorp Genetics (formerly Invitae), Labcorp); PubMed 21031596 (cited by Labcorp Genetics (formerly Invitae), Labcorp); PubMed 31831025 (cited by Labcorp Genetics (formerly Invitae), Labcorp); PubMed 26387595 (cited by 4 submitters).